The following is an entry in ClinVar:

NM_001366145.2(TRPM3):c.973+17769A>C

Genes: MIR204 (microRNA 204; minus strand), TRPM3 (transient receptor potential cation channel subfamily M member 3; minus strand). Cytogenetic location: 9q21.12.
Variant type: single nucleotide variant.
Coding change: c.973+17769A>C on transcript NM_001366145.2 (MANE Select); 17769 bases into the intron after coding-DNA position 973, A replaced by C.
Molecular consequence: intron variant. On other transcripts: non-coding transcript variant (1).
Genome position (GRCh38, 1-based): chr9:70,810,078, T>G on the plus strand (A>C on the coding strand, the complement: TRPM3 is on the minus strand). VCF-style: chr9-70810078-T-G. GRCh37 (hg19) VCF-style: chr9-73424994-T-G.
Other names: c.979+17769A>C (NM_001366143.2, NM_001366141.2, NM_001366142.2 and 1 more transcripts); c.973+17769A>C (NM_001366150.2, NM_001366151.2, NM_001007471.4 and 3 more transcripts); c.1048+1092A>C (NM_001366148.2, NM_001366152.2, NM_001366147.2 and 1 more transcripts); c.514+17769A>C (NM_206944.5, NM_020952.6, NM_206945.5 and 3 more transcripts); c.589+1092A>C (NM_206947.5, NM_206946.5, NM_001007470.3).
Identifiers: ClinVar variation 1634421 (VCV001634421.9), dbSNP rs201632779, ClinGen allele CA5078779.

ClinVar aggregate classification (germline): Likely benign. Review status: criteria provided, multiple submitters, no conflicts (2 of 4 stars). 3 submissions from 2 submitters: Likely benign (3). Last evaluated 2026-02-01.

Conditions:
MIR204-related disorder. Also called: MIR204-related condition.
TRPM3-related disorder. Also called: TRPM3-related condition.

Allele frequency attached by ClinVar (database versions not stated): 1000 Genomes Project 30x 0.00016; 1000 Genomes Project 0.00020; ESP Exome Variant Server 0.00087; gnomAD exomes 0.00087 and 0.00099; ExAC 0.00090.
gnomAD v4.1: 449 of 534,526 alleles (0.084%); highest among the groups gnomAD compares: Admixed American, 0.28%; 2 homozygotes.

Submissions (3):

Labcorp Genetics (formerly Invitae), Labcorp
Classification: Likely benign. Last evaluated: 2026-02-01. Review status: criteria provided, single submitter. Criteria: Invitae Variant Classification Sherloc (09022015). Collection method: clinical testing. Allele origin: germline.

PreventionGenetics, part of Exact Sciences
Classification: Likely benign for MIR204-related condition. Last evaluated: 2020-07-29. Review status: criteria provided, single submitter. Criteria: ACMG Guidelines, 2015. Collection method: clinical testing. Allele origin: germline.
Comment: This variant is classified as likely benign based on ACMG/AMP sequence variant interpretation guidelines (Richards et al. 2015 PMID: 25741868, with internal and published modifications).

PreventionGenetics, part of Exact Sciences
Classification: Likely benign for TRPM3-related condition. Last evaluated: 2020-07-29. Review status: criteria provided, single submitter. Criteria: ACMG Guidelines, 2015. Collection method: clinical testing. Allele origin: germline.
Comment: the same text as in the submission from PreventionGenetics, part of Exact Sciences above.